The following is an entry in ClinVar:

NM_000138.5(FBN1):c.6872-961A>G

Gene: FBN1 (fibrillin 1; minus strand). Cytogenetic location: 15q21.1.
Variant type: single nucleotide variant.
Coding change: c.6872-961A>G on transcript NM_000138.5 (MANE Select); 961 bases into the intron before coding-DNA position 6872, A replaced by G.
Molecular consequence: intron variant.
Genome position (GRCh38, 1-based): chr15:48,429,432, T>C on the plus strand (A>G on the coding strand, the complement: FBN1 is on the minus strand). VCF-style: chr15-48429432-T-C. GRCh37 (hg19) VCF-style: chr15-48721629-T-C.
Identifiers: ClinVar variation 643480 (VCV000643480.3), dbSNP rs1597519658, ClinGen allele CA915946637.

ClinVar aggregate classification (germline): Pathogenic/Likely pathogenic. Review status: criteria provided, multiple submitters, no conflicts (2 of 4 stars). 2 submissions from 2 submitters: Pathogenic (1); Likely pathogenic (1). Last evaluated 2022-06-24.

Conditions:
Familial thoracic aortic aneurysm and aortic dissection (TAAD). Also called: Thoracic aortic aneurysms and dissections. Identifiers: Orphanet 91387, MedGen C4707243, MONDO:0019625.
Marfan syndrome (MFS). Also called: FBN1-Related Marfan Syndrome; Marfan syndrome type 1; Marfan's syndrome; Marfan syndrome, classic; MARFAN SYNDROME, TYPE I. Identifiers: Orphanet 284963, Orphanet 558, MedGen C0024796, MONDO:0007947, OMIM 154700.

Submissions (2):

Victorian Clinical Genetics Services, Murdoch Childrens Research Institute
Classification: Pathogenic for Marfan syndrome. Last evaluated: 2022-06-24. Review status: criteria provided, single submitter. Criteria: ACMG Guidelines, 2015. Collection method: clinical testing. Allele origin: germline. Inheritance: Autosomal dominant inheritance. Affected: yes.
Comment: Based on the classification scheme VCGS_Germline_v1.3.4, this variant is classified as Pathogenic. Following criteria are met: 0103 - Dominant negative and loss of function are known mechanisms of disease in this gene and are associated with FBN1-related disease. Variants predicted to result in nonsense mediated decay cause loss of function effects, and are more commonly associated with severe Marfan syndrome (MIM#154700). Missense variants with both dominant negative and loss of function effects on protein function, are associated with Marfan syndrome and ectopia lentis (MIM#129600) (OMIM, PMID: 29357934). The exact genotype-phenotype correlation for this gene is still unclear, and is compounded by variable expressivity (PMID: 20301510). (I) 0107 - This gene is predominantly associated with autosomal dominant disease; autosomal recessive forms of Marfan syndrome have been reported infrequently (PMIDs: 27274304, 31950671). (I) 0115 - Variants in this gene are known to have variable expressivity. The genotype-phenotype correlations for this gene are unclear, with single variants reported in patients with a range of phenotypes (PMID: 20301510, OMIM). (I) 0217 - Non-coding variant with known effect. Analysis of cDNA from a patient's cultured fibroblasts showed this intronic variant created a new splice donor site, resulting in the integration of a 90-bp pseudo-exon in between exons 56 and 57 containing a stop codon, causing nonsense-mediated mRNA decay (NMD; PMID: 24610719). (SP) 0251 - This variant is heterozygous. (I) 0301 - Variant is absent from gnomAD (both v2 and v3). (SP) 0701 - Other premature termination variants comparable to the one identified in this case have very strong previous evidence for pathogenicity. Many NMD-predicted variants have been reported as likely pathogenic/pathogenic (ClinVar). (SP) 0803 - This variant has limited previous evidence of pathogenicity in unrelated individuals. It has been reported as heterozygous in a family with Marfan syndrome (PMID: 24610719), and as likely pathogenic once in ClinVar. (SP) 0901 - This variant has strong evidence for segregation with disease. It has been shown to segregate with disease in an extended family with seven affected and four unaffected family members (PMID: 24610719). (SP) Legend: (SP) - Supporting pathogenic, (I) - Information, (SB) - Supporting benign

Labcorp Genetics (formerly Invitae), Labcorp
Classification: Likely pathogenic for Marfan syndrome; Familial thoracic aortic aneurysm and aortic dissection. Last evaluated: 2018-07-30. Review status: criteria provided, single submitter. Criteria: Invitae Variant Classification Sherloc (09022015). Collection method: clinical testing. Allele origin: germline.
Comment: This sequence change falls in intron 56 of the FBN1 gene. It does not directly change the encoded amino acid sequence of the FBN1 protein. This variant has been observed to segregate with aortic dissection and Marfan syndrome in two families (PMID: 24610719, Invitae). Experimental studies have shown that this intronic missense causes the generation of aÂ¬â€ pseudo-exon between exons 56 and 57 which results in reduced protein expression (PMID:Â¬â€ 24610719). In summary, the currently available evidence indicates that the variant is pathogenic, but additional data are needed to prove that conclusively. Therefore, this variant has been classified as Likely Pathogenic.

Literature cited by the submitters: NCBI Bookshelf NBK1335 (cited by Victorian Clinical Genetics Services, Murdoch Childrens Research Institute); PubMed 20301510 (cited by Victorian Clinical Genetics Services, Murdoch Childrens Research Institute); PubMed 24610719 (cited by Victorian Clinical Genetics Services, Murdoch Childrens Research Institute and Labcorp Genetics (formerly Invitae), Labcorp); PubMed 27274304 (cited by Victorian Clinical Genetics Services, Murdoch Childrens Research Institute); PubMed 29357934 (cited by Victorian Clinical Genetics Services, Murdoch Childrens Research Institute); PubMed 31950671 (cited by Victorian Clinical Genetics Services, Murdoch Childrens Research Institute).